The following is an entry in ClinVar:

ClinVar aggregate classification (germline): Likely benign. Review status: criteria provided, multiple submitters, no conflicts (2 of 4 stars). 2 submissions from 2 submitters: Likely benign (2). Last evaluated 2025-07-22.

Conditions:
TJP2-related disorder. Also called: TJP2-related condition.

Allele frequency attached by ClinVar (database versions not stated): ExAC 0.00002; gnomAD 0.00002; TOPMed 0.00002.
gnomAD v4.1: 18 of 1,598,526 alleles (0.0011%); highest among the groups gnomAD compares: East Asian, 0.014%; no homozygotes.

Submissions (2):

PreventionGenetics, part of Exact Sciences
Classification: Likely benign for TJP2-related condition. Last evaluated: 2025-07-22. Review status: criteria provided, single submitter. Criteria: ACMG Guidelines, 2015. Collection method: clinical testing. Allele origin: germline.
Comment: This variant is classified as likely benign based on ACMG/AMP sequence variant interpretation guidelines (Richards et al. 2015 PMID: 25741868, with internal and published modifications).

Labcorp Genetics (formerly Invitae), Labcorp
Classification: Likely benign. Last evaluated: 2023-09-18. Review status: criteria provided, single submitter. Criteria: Invitae Variant Classification Sherloc (09022015). Collection method: clinical testing. Allele origin: germline.

NM_004817.4(TJP2):c.2874C>T (p.His958=)

Gene: TJP2 (tight junction protein 2; plus strand). Cytogenetic location: 9q21.11.
Variant type: single nucleotide variant.
Coding change: c.2874C>T on transcript NM_004817.4 (MANE Select); coding-DNA position 2874, C replaced by T.
Protein change: p.His958=; no amino-acid change (histidine 958 retained).
Molecular consequence: synonymous variant. On other transcripts: intron variant (1).
Genome position (GRCh38, 1-based): chr9:69,248,218, C>T. VCF-style: chr9-69248218-C-T. GRCh37 (hg19) VCF-style: chr9-71863134-C-T.
Other names: c.2874C>T (NM_004817.3); c.2805C>T, p.His935= (NM_001170414.2, NM_001369871.1); c.2886C>T, p.His962= (NM_001170415.1, NM_001369874.1, NM_001369875.1); c.2967C>T, p.His989= (NM_001170416.2); c.2799C>T, p.His933= (NM_001369870.1); c.2874C>T, p.His958= (NM_001369872.1, NM_201629.3); c.2667+1428C>T (NM_001369873.1).
Identifiers: ClinVar variation 2195022 (VCV002195022.5), dbSNP rs766659266, ClinGen allele CA5073791.